The following is an entry in ClinVar:

NM_024422.6(DSC2):c.1738A>G (p.Lys580Glu)

Gene: DSC2 (desmocollin 2; minus strand). Cytogenetic location: 18q12.1.
Variant type: single nucleotide variant.
Coding change: c.1738A>G on transcript NM_024422.6 (MANE Select); coding-DNA position 1738, A replaced by G.
Protein change: p.Lys580Glu; replaces lysine 580 with glutamic acid.
Molecular consequence: missense variant.
Genome position (GRCh38, 1-based): chr18:31,074,833, T>C on the plus strand (A>G on the coding strand, the complement: DSC2 is on the minus strand). VCF-style: chr18-31074833-T-C. GRCh37 (hg19) VCF-style: chr18-28654799-T-C.
Other names: c.1738A>G (NM_024422.3); c.1309A>G, p.Lys437Glu (NM_001406506.1, NM_001406507.1); c.1738A>G, p.Lys580Glu (NM_004949.5); short protein forms K580E, K437E.
Identifiers: ClinVar variation 2850825 (VCV002850825.6), dbSNP rs1163344946, ClinGen allele CA402114217.
Genomic context (GRCh38, chr18:31,074,833, plus strand): 5'-CAGGATCAACCGCAACAATCTCCGCAGATGACATGGTGGGTTTGCAGATGATCACTGTCT[T>C]TTTAGGTATGAATGGGCTGTTATCATTCACGTCTTGAAGTATAATGCCCAGTGTCCCCGT-3'
Protein context (NP_077740.1, residues 570-590): VNDNSPFIPK[Lys580Glu]TVIICKPTMS

ClinVar aggregate classification (germline): Conflicting classifications of pathogenicity. Review status: criteria provided, conflicting classifications (1 of 4 stars). 4 submissions from 4 submitters: Uncertain significance (3); Likely benign (1). Last evaluated 2025-08-04.

Conditions:
Familial isolated arrhythmogenic right ventricular dysplasia. Identifiers: Orphanet 217656, MedGen C4274968, MONDO:0016342.
Cardiomyopathy (CMYO). Also called: Cardiomyopathies. Identifiers: Orphanet 167848, MedGen C0878544, MONDO:0004994, HP:0001638. Inheritance: Various modes of inheritance.
Cardiovascular phenotype. Identifiers: MedGen CN230736.
Arrhythmogenic right ventricular dysplasia 11. Also called: ARRHYTHMOGENIC RIGHT VENTRICULAR DYSPLASIA, FAMILIAL, 11; Arrhythmogenic Right Ventricular Dysplasia/Cardiomyopathy11; Arrhythmogenic right ventricular dysplasia 11 with mild palmoplantar keratoderma and woolly hair. Identifiers: MedGen C1864850, MONDO:0012506, OMIM 610476.

Allele frequency attached by ClinVar (database versions not stated): gnomAD exomes below 0.00001; TOPMed 0.00001; gnomAD 0.00001.
gnomAD v4.1: 5 of 1,613,844 alleles (0.00031%); highest among the groups gnomAD compares: Non-Finnish European, 0.00034%; no homozygotes.

Submissions (4):

Color Diagnostics, LLC DBA Color Health
Classification: Uncertain significance for Cardiomyopathy. Last evaluated: 2025-08-04. Review status: criteria provided, single submitter. Criteria: ACMG Guidelines, 2015. Collection method: clinical testing. Allele origin: germline.
Comment: This missense variant replaces lysine with glutamic acid at codon 580 of the DSC2 protein. Computational prediction suggests that this variant may not impact protein structure and function. To our knowledge, functional studies have not been reported for this variant. This variant has not been reported in individuals affected with DSC2-related disorders in the literature. This variant has been identified in 2/31392 chromosomes in the general population by the Genome Aggregation Database (gnomAD). The available evidence is insufficient to determine the role of this variant in disease conclusively. Therefore, this variant is classified as a Variant of Uncertain Significance.

Ambry Genetics
Classification: Likely benign for Cardiovascular phenotype. Last evaluated: 2024-09-23. Review status: criteria provided, single submitter. Criteria: Ambry Variant Classification Scheme 2023. Collection method: clinical testing. Allele origin: germline.

All of Us Research Program, National Institutes of Health
Classification: Uncertain significance for Familial isolated arrhythmogenic right ventricular dysplasia. Last evaluated: 2023-11-20. Review status: criteria provided, single submitter. Criteria: ACMG Guidelines, 2015. Collection method: clinical testing. Allele origin: germline. Inheritance: Autosomal dominant inheritance. Observed: 2 variant alleles, 2 heterozygotes.
Comment: This missense variant replaces lysine with glutamic acid at codon 580 of the DSC2 protein. Computational prediction suggests that this variant may not impact protein structure and function (internally defined REVEL score threshold <= 0.5, PMID: 27666373). To our knowledge, functional studies have not been reported for this variant. This variant has not been reported in individuals affected with DSC2-related disorders in the literature. This variant has been identified in 2/31392 chromosomes in the general population by the Genome Aggregation Database (gnomAD). The available evidence is insufficient to determine the role of this variant in disease conclusively. Therefore, this variant is classified as a Variant of Uncertain Significance.

This study involves interpretation of variants in research participants for the purpose of population health screening. Participant phenotype was not available at the time of variant classification. Additional details can be found in publication PMID: 35346344, PMCID: PMC8962531

Labcorp Genetics (formerly Invitae), Labcorp
Classification: Uncertain significance for Arrhythmogenic right ventricular dysplasia 11. Last evaluated: 2023-02-23. Review status: criteria provided, single submitter. Criteria: Invitae Variant Classification Sherloc (09022015). Collection method: clinical testing. Allele origin: germline.
Comment: This sequence change replaces lysine, which is basic and polar, with glutamic acid, which is acidic and polar, at codon 580 of the DSC2 protein (p.Lys580Glu). In summary, the available evidence is currently insufficient to determine the role of this variant in disease. Therefore, it has been classified as a Variant of Uncertain Significance. Advanced modeling of protein sequence and biophysical properties (such as structural, functional, and spatial information, amino acid conservation, physicochemical variation, residue mobility, and thermodynamic stability) performed at Invitae indicates that this missense variant is not expected to disrupt DSC2 protein function. This variant has not been reported in the literature in individuals affected with DSC2-related conditions. This variant is present in population databases (no rsID available, gnomAD 0.01%).